The following is an entry in ClinVar:

ClinVar aggregate classification (germline): Likely benign (1 of 4 stars; one submission).

Conditions:
EP300-related disorder. Also called: EP300-related condition; EP300-related disorders.

Submission:

PreventionGenetics, part of Exact Sciences
Classification: Likely benign for EP300-related condition. Last evaluated: 2025-11-02. Review status: criteria provided, single submitter. Criteria: ACMG Guidelines, 2015. Collection method: clinical testing. Allele origin: germline.
Comment: This variant is classified as likely benign based on ACMG/AMP sequence variant interpretation guidelines (Richards et al. 2015 PMID: 25741868, with internal and published modifications).

NM_001429.4(EP300):c.66C>G (p.Ala22=)

Genes: EP300 (EP300 lysine acetyltransferase; plus strand), LOC130067530 (ATAC-STARR-seq lymphoblastoid active region 19106; plus strand). Cytogenetic location: 22q13.2.
Variant type: single nucleotide variant.
Coding change: c.66C>G on transcript NM_001429.4 (MANE Select); coding-DNA position 66, C replaced by G.
Protein change: p.Ala22=; no amino-acid change (alanine 22 retained).
Molecular consequence: synonymous variant.
Genome position (GRCh38, 1-based): chr22:41,093,070, C>G. VCF-style: chr22-41093070-C-G. GRCh37 (hg19) VCF-style: chr22-41489074-C-G.
Other names: c.66C>G, p.Ala22= (NM_001362843.2).
Identifiers: ClinVar variation 4983276 (VCV004983276.1).